The following is an entry in ClinVar:

ClinVar aggregate classification (germline): Conflicting classifications of pathogenicity. Review status: criteria provided, conflicting classifications (1 of 4 stars). 8 submissions from 8 submitters: Uncertain significance (6); Likely benign (1). 1 of the submissions does not count toward it. Last evaluated 2026-01-28.

Conditions:
DYNC2H1-related disorder. Also called: DYNC2H1-related condition; DYNC2H1-related disorders. Identifiers: MedGen CN378770.
Retinal dystrophy. Also called: Inherited retinal dystrophy. Identifiers: Orphanet 71862, MedGen C0854723, MeSH D058499, MONDO:0019118, HP:0000556.
Jeune thoracic dystrophy. Also called: Jeune syndrome; Short-rib thoracic dysplasia; Infantile thoracic dystrophy; Thoracic pelvic phalangeal dystrophy; Jeune's syndrome; Chondroectodermal dysplasia-like syndrome. Identifiers: Orphanet 474, MedGen C0265275, MONDO:0018770.
Asphyxiating thoracic dystrophy 3. Also called: POLYDACTYLY WITH NEONATAL CHONDRODYSTROPHY, TYPE I; SHORT-RIB THORACIC DYSPLASIA 3/6 WITH POLYDACTYLY, DIGENIC; Saldino-Noonan Syndrome; SHORT-RIB THORACIC DYSPLASIA 3 WITH OR WITHOUT POLYDACTYLY; Short rib polydactyly syndrome 2B. Identifiers: Orphanet 474, Orphanet 93269, Orphanet 93270, Orphanet 93271, MedGen C0036069, MONDO:0013127, OMIM 613091.

Allele frequency attached by ClinVar (database versions not stated): TOPMed 0.00034; 1000 Genomes Project 0.00040; gnomAD 0.00042 and 0.00044; ESP Exome Variant Server 0.00076; ExAC 0.00091; 1000 Genomes Project 30x 0.00094.
gnomAD v4.1: 1,252 of 1,591,860 alleles (0.079%); highest among the groups gnomAD compares: Non-Finnish European, 0.1%; 1 homozygote.

Submissions (8):

Labcorp Genetics (formerly Invitae), Labcorp
Classification: Likely benign for Jeune thoracic dystrophy. Last evaluated: 2026-01-28. Review status: criteria provided, single submitter. Criteria: Invitae Variant Classification Sherloc (09022015). Collection method: clinical testing. Allele origin: germline.

PreventionGenetics, part of Exact Sciences
Classification: Uncertain significance for DYNC2H1-related condition. Last evaluated: 2025-12-01. Review status: criteria provided, single submitter. Criteria: ACMG Guidelines, 2015. Collection method: clinical testing. Allele origin: germline.
Comment: The DYNC2H1 c.12103G>T variant is predicted to result in the amino acid substitution p.Gly4035Cys. To our knowledge, this variant has not been reported in the literature. This variant is reported in 0.083% of alleles in individuals of European (Non-Finnish) descent in gnomAD. Although we suspect that this variant may be benign, at this time, the clinical significance of this variant is uncertain due to the absence of conclusive functional and genetic evidence.

GeneDx
Classification: Uncertain significance. Last evaluated: 2025-10-07. Review status: criteria provided, single submitter. Criteria: GeneDx Variant Classification Process June 2021. Collection method: clinical testing. Allele origin: germline. Affected: yes.
Comment: In silico analysis supports that this missense variant has a deleterious effect on protein structure/function; Has not been previously published as pathogenic or benign to our knowledge

Blueprint Genetics
Classification: Uncertain significance. Last evaluated: 2024-11-07. Review status: criteria provided, single submitter. Criteria: ACMG Guidelines, 2015. Collection method: clinical testing. Allele origin: germline.

ARUP Laboratories, Molecular Genetics and Genomics, ARUP Laboratories
Classification: Uncertain significance for Asphyxiating thoracic dystrophy 3. Last evaluated: 2023-01-03. Review status: criteria provided, single submitter. Criteria: ARUP Molecular Germline Variant Investigation Process 2024. Collection method: clinical testing. Allele origin: germline.
Comment: The DYNC2H1 c.12103G>T; p.Gly4035Cys variant (rs202216852), to our knowledge, is not reported in the medical literature but is reported in ClinVar (Variation ID: 198956). This variant is found in the general population with an overall allele frequency of 0.044% (109/248254 alleles) in the Genome Aggregation Database. The glycine at codon 4035 is highly conserved, and computational analyses are uncertain whether this variant is neutral or deleterious (REVEL: 0.325). Due to limited information, the clinical significance of the p.Gly4035Cys variant is uncertain at this time.

Illumina Laboratory Services, Illumina
Classification: Uncertain significance for Asphyxiating thoracic dystrophy 3. Last evaluated: 2018-01-12. Review status: criteria provided, single submitter. Criteria: ICSL Variant Classification Criteria 13 December 2019. Collection method: clinical testing. Allele origin: germline.

Eurofins Ntd Llc (ga)
Classification: Uncertain significance. Last evaluated: 2015-04-30. Review status: criteria provided, single submitter. Criteria: EGL Classification Definitions 2015. Collection method: clinical testing. Allele origin: germline. Observed: 1 variant allele, 1 heterozygote.

Institute of Human Genetics, Univ. Regensburg, Univ. Regensburg
Classification: Uncertain significance for Retinal dystrophy. Last evaluated: 2023-01-01. Review status: no assertion criteria provided. Criteria: ACMG Guidelines, 2015. Collection method: clinical testing. Allele origin: germline. Affected: yes. Not counted in ClinVar's aggregate classification.

NM_001377.3(DYNC2H1):c.12082G>T (p.Gly4028Cys)

Gene: DYNC2H1 (dynein cytoplasmic 2 heavy chain 1; plus strand). Cytogenetic location: 11q22.3.
Variant type: single nucleotide variant.
Coding change: c.12082G>T on transcript NM_001377.3 (MANE Select); coding-DNA position 12082, G replaced by T.
Protein change: p.Gly4028Cys; replaces glycine 4028 with cysteine.
Molecular consequence: missense variant.
Genome position (GRCh38, 1-based): chr11:103,358,285, G>T. VCF-style: chr11-103358285-G-T. GRCh37 (hg19) VCF-style: chr11-103229013-G-T.
Other names: c.12103G>T, p.Gly4035Cys (NM_001080463.2); short protein forms G4035C, G4028C.
Identifiers: ClinVar variation 198956 (VCV000198956.34), dbSNP rs202216852, ClinGen allele CA247890.
Genomic context (GRCh38, chr11:103,358,285, plus strand): 5'-TATTATTTTTTTATTCAGGTTATTTCACAGTTGAGGATTTTGGGCAGATCCATAACAGCT[G>T]GTTCCAAATTTGATAGAGAAATCTGGTCTAATGAACTTTCTCCTGTCCTCAATCTCTGGA-3'
Protein context (NP_001368.2, residues 4018-4038): LRILGRSITA[Gly4028Cys]SKFDREIWSN